The following is an entry in ClinVar:

ClinVar aggregate classification (germline): Uncertain significance. Review status: criteria provided, multiple submitters, no conflicts (2 of 4 stars). 5 submissions from 5 submitters: Uncertain significance (5). Last evaluated 2026-04-23.

Allele frequency attached by ClinVar (database versions not stated): ExAC 0.00006; gnomAD exomes 0.00008; ESP Exome Variant Server 0.00015; gnomAD 0.00018 and 0.00019.
gnomAD v4.1: 370 of 1,614,026 alleles (0.023%); highest among the groups gnomAD compares: Non-Finnish European, 0.029%; no homozygotes.

Submissions (5):

Women's Health and Genetics/Laboratory Corporation of America, LabCorp
Classification: Uncertain significance. Last evaluated: 2026-04-23. Review status: criteria provided, single submitter. Criteria: LabCorp Variant Classification Summary - May 2015. Collection method: clinical testing. Allele origin: germline.
Comment: Variant summary: C5 c.3706G>C (p.Asp1236His) results in a non-conservative amino acid change in the encoded protein sequence. Algorithms developed to predict the effect of missense changes on protein structure and function are either unavailable or do not agree on the potential impact of this missense change. The variant allele was found at a frequency of 7.6e-05 in 251436 control chromosomes. This frequency is not significantly higher than estimated for disease-causing variants in C5, allowing no conclusion about variant significance. To our knowledge, no occurrence of c.3706G>C in individuals affected with C5-related conditions and no experimental evidence demonstrating its impact on protein function have been reported. ClinVar contains an entry for this variant (Variation ID: 1354693). Based on the evidence outlined above, the variant was classified as uncertain significance.

CeGaT Center for Human Genetics Tuebingen
Classification: Uncertain significance. Last evaluated: 2024-06-01. Review status: criteria provided, single submitter. Criteria: CeGaT Center For Human Genetics Tuebingen Variant Classification Criteria Version 2. Collection method: clinical testing. Allele origin: germline. Affected: yes. Observed: 1 variant allele.
Comment: C5: PM2, BP4

Labcorp Genetics (formerly Invitae), Labcorp
Classification: Uncertain significance. Last evaluated: 2022-08-13. Review status: criteria provided, single submitter. Criteria: Invitae Variant Classification Sherloc (09022015). Collection method: clinical testing. Allele origin: germline.
Comment: This sequence change replaces aspartic acid, which is acidic and polar, with histidine, which is basic and polar, at codon 1236 of the C5 protein (p.Asp1236His). This variant is present in population databases (rs202114605, gnomAD 0.02%). This variant has not been reported in the literature in individuals affected with C5-related conditions. ClinVar contains an entry for this variant (Variation ID: 1354693). Algorithms developed to predict the effect of missense changes on protein structure and function are either unavailable or do not agree on the potential impact of this missense change (SIFT: "Tolerated"; PolyPhen-2: "Probably Damaging"; Align-GVGD: "Class C0"). Algorithms developed to predict the effect of sequence changes on RNA splicing suggest that this variant may disrupt the consensus splice site. In summary, the available evidence is currently insufficient to determine the role of this variant in disease. Therefore, it has been classified as a Variant of Uncertain Significance.

Ambry Genetics
Classification: Uncertain significance. Last evaluated: 2021-08-30. Review status: criteria provided, single submitter. Criteria: Ambry Variant Classification Scheme 2023. Collection method: clinical testing. Allele origin: germline.

Breakthrough Genomics
Classification: Uncertain significance. Review status: criteria provided, single submitter. Criteria: ACMG Guidelines, 2015. Collection method: not provided. Allele origin: germline. Inheritance: Autosomal recessive inheritance. Affected: yes.

NM_001735.3(C5):c.3706G>C (p.Asp1236His)

Gene: C5 (complement C5; minus strand). Cytogenetic location: 9q33.2.
Variant type: single nucleotide variant.
Coding change: c.3706G>C on transcript NM_001735.3 (MANE Select); coding-DNA position 3706, G replaced by C.
Protein change: p.Asp1236His; replaces aspartic acid 1236 with histidine.
Molecular consequence: missense variant.
Genome position (GRCh38, 1-based): chr9:120,976,858, C>G on the plus strand (G>C on the coding strand, the complement: C5 is on the minus strand). VCF-style: chr9-120976858-C-G. GRCh37 (hg19) VCF-style: chr9-123739136-C-G.
Other names: c.3724G>C, p.Asp1242His (NM_001317163.2); c.3706G>C (NM_001735.2); short protein forms D1236H, D1242H.
Identifiers: ClinVar variation 1354693 (VCV001354693.24), dbSNP rs202114605, ClinGen allele CA5217403.